The following is an entry in ClinVar:

ClinVar aggregate classification (germline): Benign/Likely benign. Review status: criteria provided, multiple submitters, no conflicts (2 of 4 stars). 3 submissions from 3 submitters: Benign (2); Likely benign (1). Last evaluated 2026-02-03.

Conditions:
Alstrom syndrome (ALMS). Identifiers: Orphanet 64, MedGen C0268425, MONDO:0008763, OMIM 203800.

Submissions (3):

Labcorp Genetics (formerly Invitae), Labcorp
Classification: Benign for Alstrom syndrome. Last evaluated: 2026-02-03. Review status: criteria provided, single submitter. Criteria: Invitae Variant Classification Sherloc (09022015). Collection method: clinical testing. Allele origin: germline.

Women's Health and Genetics/Laboratory Corporation of America, LabCorp
Classification: Benign. Last evaluated: 2020-09-24. Review status: criteria provided, single submitter. Criteria: LabCorp Variant Classification Summary - May 2015. Collection method: clinical testing. Allele origin: germline.
Comment: Variant summary: ALMS1 c.12359+16_12359+17delCA (also referred to as c.12365+16_12365+17delCA) alters a non-conserved nucleotide located close to a canonical splice site and therefore could affect mRNA splicing, leading to a significantly altered protein sequence. 4/4 computational tools predict no significant impact on normal splicing. However, these predictions have yet to be confirmed by functional studies. The variant allele was found at a frequency of 0.0011 in 250884 control chromosomes, predominantly at a frequency of 0.015 within the African or African-American subpopulation in the gnomAD database, including 3 homozygotes. The observed variant frequency within African or African-American control individuals in the gnomAD database is approximately 8.2 fold of the estimated maximal expected allele frequency for a pathogenic variant in ALMS1 causing Alstrom Syndrome With Dilated Cardiomyopathy phenotype (0.0018), strongly suggesting that the variant is a benign polymorphism found primarily in populations of African or African-American origin. To our knowledge, no occurrence of c.12359+16_12359+17delCA in individuals affected with Alstrom Syndrome With Dilated Cardiomyopathy and no experimental evidence demonstrating its impact on protein function have been reported. No clinical diagnostic laboratories have submitted clinical-significance assessments for this variant to ClinVar after 2014. Based on the evidence outlined above, the variant was classified as benign.

GeneDx
Classification: Likely benign. Last evaluated: 2019-09-19. Review status: criteria provided, single submitter. Criteria: GeneDx Variant Classification Process June 2021. Collection method: clinical testing. Allele origin: germline. Affected: yes.

NM_001378454.1(ALMS1):c.12362+16_12362+17del

Gene: ALMS1 (ALMS1 centrosome and basal body associated protein; plus strand). Cytogenetic location: 2p13.1.
Variant type: Deletion.
Coding change: c.12362+16_12362+17del on transcript NM_001378454.1 (MANE Select); bases 16 to 17 of the intron after coding-DNA position 12362, 2 bases deleted (CA; older notation c.12362+16_12362+17delCA).
Molecular consequence: intron variant.
Genome position (GRCh38, 1-based): chr2:73,603,320-73,603,321, CA deleted; deleting any 2 consecutive bases within chr2:73,603,319-73,603,321 gives the same sequence; the c. name uses the placement nearest the transcript's 3' end. VCF-style (leftmost placement, unchanged base first): chr2-73603318-AAC-A. GRCh37 (hg19) VCF-style: chr2-73830445-AAC-A.
Other names: c.12365+16_12365+17delCA (NM_015120.4); c.12362+16_12362+17del (NM_015120.4).
Identifiers: ClinVar variation 981090 (VCV000981090.12), dbSNP rs563514664, ClinGen allele CA1715541.